The following is an entry in ClinVar:

ClinVar aggregate classification (germline): Uncertain significance (1 of 4 stars; one submission).

Conditions:
von Willebrand disease type 1 (VWD1). Also called: VWD, TYPE 1; VON WILLEBRAND DISEASE, TYPE I. Identifiers: Orphanet 166078, Orphanet 903, MedGen C1264039, MONDO:0008668, OMIM 193400. Inheritance: autosomal recessive or autosomal dominant.
von Willebrand disease type 3 (VWD3). Also called: Type 3 Von Willebrand's disease; Type 3 VWD; Von Willebrand disease, severe form; V WD3; VON WILLEBRAND DISEASE, TYPE III. Identifiers: Orphanet 166096, MedGen C1264041, MONDO:0010191, OMIM 277480.
von Willebrand disease type 2 (VWD2). Also called: VON WILLEBRAND DISEASE, TYPE 2A/IIE; VON WILLEBRAND DISEASE, TYPE 2CB; VWD, TYPE 2; VON WILLEBRAND DISEASE, TYPE II. Identifiers: Orphanet 166081, Orphanet 903, MedGen C1264040, MONDO:0013304, OMIM 613554.

gnomAD v4.1: 2 of 1,614,204 alleles (0.00012%); highest among the groups gnomAD compares: African/African-American, 0.0013%; no homozygotes.

Submission:

Clinical Genomics Laboratory, Washington University in St. Louis
Classification: Uncertain significance for von Willebrand disease type 1; von Willebrand disease type 2; von Willebrand disease type 3. Last evaluated: 2025-12-04. Review status: criteria provided, single submitter. Criteria: ACMG Guidelines, 2015. Collection method: clinical testing. Allele origin: germline.
Comment: The VWF c.494T>G (p.Phe165Cys) variant, to our knowledge, has not been reported in the medical literature. This variant is only observed in 2/1,614,204 alleles in the general population (gnomAD v.4.1.0), indicating it is not a common variant. Computational predictors are uncertain as to the impact of this variant on VWF function. Due to limited information, and based on ACMG/AMP guidelines for variant interpretation (Richards S et al., PMID: 25741868), the clinical significance of this variant is uncertain at this time.

NM_000552.5(VWF):c.494T>G (p.Phe165Cys)

Gene: VWF (von Willebrand factor; minus strand). Cytogenetic location: 12p13.31.
Variant type: single nucleotide variant.
Coding change: c.494T>G on transcript NM_000552.5 (MANE Select); coding-DNA position 494, T replaced by G.
Protein change: p.Phe165Cys; replaces phenylalanine 165 with cysteine.
Molecular consequence: missense variant.
Genome position (GRCh38, 1-based): chr12:6,110,412, A>C on the plus strand (T>G on the coding strand, the complement: VWF is on the minus strand). VCF-style: chr12-6110412-A-C. GRCh37 (hg19) VCF-style: chr12-6219578-A-C.
Other names: short protein forms F165C.
Identifiers: ClinVar variation 4879547 (VCV004879547.1).
Genomic context (GRCh38, chr12:6,110,412, plus strand): 5'-ATGGTATCCCAGAACATCTTACCTTCTTGGGTCATAAAGTCATCTTCAGCAAAGATGTTA[A>C]AGTTGCCACACAGCCCGCAGGTCTTGTTGAAGTATCTGTCTGACAGCAGGACTTGAAAGT-3'
Protein context (NP_000543.3, residues 155-175): FNKTCGLCGN[Phe165Cys]NIFAEDDFMT